The following is an entry in ClinVar:

NM_003070.5(SMARCA2):c.1378A>G (p.Lys460Glu)

Gene: SMARCA2 (SWI/SNF related BAF chromatin remodeling complex subunit ATPase 2; plus strand). Cytogenetic location: 9p24.3.
Variant type: single nucleotide variant.
Coding change: c.1378A>G on transcript NM_003070.5 (MANE Select); coding-DNA position 1378, A replaced by G.
Protein change: p.Lys460Glu; replaces lysine 460 with glutamic acid.
Molecular consequence: missense variant.
Genome position (GRCh38, 1-based): chr9:2,058,321, A>G. VCF-style: chr9-2058321-A-G. GRCh37 (hg19) VCF-style: chr9-2058321-A-G.
Other names: c.1378A>G, p.Lys460Glu (NM_001289396.2, NM_001289397.2, NM_139045.4); short protein forms K460E.
Identifiers: ClinVar variation 1465647 (VCV001465647.8), dbSNP rs1445038399, ClinGen allele CA372782012.

ClinVar aggregate classification (germline): Uncertain significance (1 of 4 stars; one submission).

Submission:

Labcorp Genetics (formerly Invitae), Labcorp
Classification: Uncertain significance. Last evaluated: 2021-02-15. Review status: criteria provided, single submitter. Criteria: Invitae Variant Classification Sherloc (09022015). Collection method: clinical testing. Allele origin: germline.
Comment: This sequence change replaces lysine with glutamic acid at codon 460 of the SMARCA2 protein (p.Lys460Glu). The lysine residue is highly conserved and there is a small physicochemical difference between lysine and glutamic acid. This variant is not present in population databases (ExAC no frequency). In summary, the available evidence is currently insufficient to determine the role of this variant in disease. Therefore, it has been classified as a Variant of Uncertain Significance. Algorithms developed to predict the effect of sequence changes on RNA splicing suggest that this variant may create or strengthen a splice site, but this prediction has not been confirmed by published transcriptional studies. Algorithms developed to predict the effect of missense changes on protein structure and function are either unavailable or do not agree on the potential impact of this missense change (SIFT: "Deleterious"; PolyPhen-2: "Benign"; Align-GVGD: "Class C0"). This variant has not been reported in the literature in individuals with SMARCA2-related conditions.